The following is an entry in ClinVar:

NM_000051.4(ATM):c.6747del (p.Asp2249fs)

Genes: ATM (ATM serine/threonine kinase; plus strand), C11orf65 (chromosome 11 open reading frame 65; minus strand). Cytogenetic location: 11q22.3.
Variant type: Deletion.
Coding change: c.6747del on transcript NM_000051.4 (MANE Select); coding-DNA position 6747, one base deleted (C; older notation c.6747delC).
Protein change: p.Asp2249fs; shifts the reading frame from aspartic acid 2249.
Molecular consequence: frameshift variant. On other transcripts: intron variant (2).
Genome position (GRCh38, 1-based): chr11:108,325,484, C deleted. VCF-style (leftmost placement, unchanged base first): chr11-108325483-AC-A. GRCh37 (hg19) VCF-style: chr11-108196210-AC-A.
Other names: c.6747del, p.Asp2249fs (NM_001351834.2); c.641-16413del (NM_001330368.2); c.*38+9736del (NM_001351110.2); short protein forms D2249fs.
Identifiers: ClinVar variation 3148484 (VCV003148484.1), dbSNP rs2547205724, ClinGen allele CA2825001935.

ClinVar aggregate classification (germline): Pathogenic (1 of 4 stars; one submission).

Conditions:
Familial cancer of breast. Also called: hereditary breast carcinoma; BREAST CANCER, FAMILIAL; Hereditary breast cancer. Identifiers: Orphanet 227535, MedGen C0346153, MONDO:0016419, OMIM 114480. Disease mechanism: loss of function.

Submission:

Myriad Genetics, Inc.
Classification: Pathogenic for Familial cancer of breast. Last evaluated: 2024-01-30. Review status: criteria provided, single submitter. Criteria: Myriad Autosomal Dominant, Autosomal Recessive and X-Linked Classification Criteria (2023). Collection method: clinical testing. Allele origin: unknown.
Comment: This variant is considered pathogenic. This variant creates a frameshift predicted to result in premature protein truncation.